The following is an entry in ClinVar:

NM_001126108.2(SLC12A3):c.1486G>T (p.Gly496Cys)

Gene: SLC12A3 (solute carrier family 12 member 3; plus strand). Cytogenetic location: 16q13.
Variant type: single nucleotide variant.
Coding change: c.1486G>T on transcript NM_001126108.2 (MANE Select); coding-DNA position 1486, G replaced by T.
Protein change: p.Gly496Cys; replaces glycine 496 with cysteine.
Molecular consequence: missense variant.
Genome position (GRCh38, 1-based): chr16:56,880,172, G>T. VCF-style: chr16-56880172-G-T. GRCh37 (hg19) VCF-style: chr16-56914084-G-T.
Other names: c.1486G>T, p.Gly496Cys (NM_000339.3); c.1483G>T, p.Gly495Cys (NM_001126107.2); short protein forms G495C, G496C.
Identifiers: ClinVar variation 988205 (VCV000988205.3), dbSNP rs777612082, ClinGen allele CA8069499.

ClinVar aggregate classification (germline): Uncertain significance. Review status: criteria provided, single submitter (1 of 4 stars). 2 submissions from 2 submitters: Uncertain significance (1). 1 of the submissions does not count toward it. Last evaluated 2020-11-25.

Conditions:
Bartter syndrome. Identifiers: Orphanet 112, MedGen C0004775, MONDO:0015231.
Familial hypokalemia-hypomagnesemia (GTLMNS). Also called: POTASSIUM AND MAGNESIUM DEPLETION; HYPOMAGNESEMIA-HYPOKALEMIA, PRIMARY RENOTUBULAR, WITH HYPOCALCIURIA; gitelman syndrome. Identifiers: Orphanet 358, MedGen C0268450, MONDO:0009904, OMIM 263800.

Allele frequency attached by ClinVar (database versions not stated): ExAC 0.00001; TOPMed 0.00002.
gnomAD v4.1: 26 of 1,604,818 alleles (0.0016%); highest among the groups gnomAD compares: Non-Finnish European, 0.0021%; no homozygotes.

Submissions (2):

GeneDx
Classification: Uncertain significance. Last evaluated: 2020-11-25. Review status: criteria provided, single submitter. Criteria: GeneDx Variant Classification Process June 2021. Collection method: clinical testing. Allele origin: germline. Affected: yes.
Comment: In silico analysis supports that this missense variant has a deleterious effect on protein structure/function; This variant is associated with the following publications: (PMID: 12112667, 8528245)

Sydney Genome Diagnostics, Children's Hospital Westmead
Classification: Uncertain significance for Familial hypokalemia-hypomagnesemia; Bartter syndrome. Last evaluated: 2019-08-28. Review status: no assertion criteria provided. Collection method: clinical testing. Allele origin: unknown. Affected: yes. Observed: 1 variant allele, 1 heterozygote. Not counted in ClinVar's aggregate classification.
Comment: This variant has been previously described in an individual with Gitelman syndrome, however, no functional analysis has been performed to elucidate the pathogenicity (Simon et al 1996 Nat Genet 12: 24-30). This variant has been reported in the gnomAD browser with a very low allele frequency of 0.002% (5 out of 225,234 alleles). In silico analysis of pathogenicity (through Alamut Visual v2.8.1) using PolyPhen2, SIFT and MutationTaster all suggest that this variant is likely to be pathogenic. However, this analysis alone cannot be used to confirm pathogenicity. This variant is considered to be a variant of uncertain clinical significance (VOUS) according to the ACMG guidelines. (Evidence used: PM2, PP3).